The following is an entry in ClinVar:

ClinVar aggregate classification (germline): Uncertain significance (1 of 4 stars; one submission).

Submission:

GeneDx
Classification: Uncertain significance. Last evaluated: 2023-07-06. Review status: criteria provided, single submitter. Criteria: GeneDx Variant Classification Process June 2021. Collection method: clinical testing. Allele origin: germline. Affected: yes.
Comment: Not observed at significant frequency in large population cohorts (gnomAD); In silico analysis supports that this missense variant has a deleterious effect on protein structure/function; Has not been previously published as pathogenic or benign to our knowledge

NM_012233.3(RAB3GAP1):c.92A>C (p.Glu31Ala)

Gene: RAB3GAP1 (RAB3 GTPase activating protein catalytic subunit 1; plus strand). Cytogenetic location: 2q21.3.
Variant type: single nucleotide variant.
Coding change: c.92A>C on transcript NM_012233.3 (MANE Select); coding-DNA position 92, A replaced by C.
Protein change: p.Glu31Ala; replaces glutamic acid 31 with alanine.
Molecular consequence: missense variant.
Genome position (GRCh38, 1-based): chr2:135,058,028, A>C. VCF-style: chr2-135058028-A-C. GRCh37 (hg19) VCF-style: chr2-135815598-A-C.
Other names: c.92A>C, p.Glu31Ala (NM_001172435.2); short protein forms E31A.
Identifiers: ClinVar variation 3360628 (VCV003360628.1).